The following is an entry in ClinVar:

NM_001148.6(ANK2):c.10143C>G (p.Ser3381Arg)

Gene: ANK2 (ankyrin 2; plus strand). Cytogenetic location: 4q26.
Variant type: single nucleotide variant.
Coding change: c.10143C>G on transcript NM_001148.6 (MANE Select); coding-DNA position 10143, C replaced by G.
Protein change: p.Ser3381Arg; replaces serine 3381 with arginine.
Molecular consequence: missense variant. On other transcripts: intron variant (68).
Genome position (GRCh38, 1-based): chr4:113,358,761, C>G. VCF-style: chr4-113358761-C-G. GRCh37 (hg19) VCF-style: chr4-114279917-C-G.
Other names: c.4328-2062C>G (NM_001354258.2, NM_001354228.2); c.4265-2062C>G (NM_001354245.2, NM_001354262.2, NM_001354275.2); c.4229-2062C>G (NM_001354268.2); c.4127-2062C>G (NM_001354273.2); c.4427-2062C>G (NM_020977.5); c.4484-2062C>G (NM_001386152.1); c.4505-2062C>G (NM_001354237.2); c.4406-2062C>G (NM_001354230.2); and 35 more; short protein forms S3381R, S3428R, S3420R, S2181R, S3303R.
Identifiers: ClinVar variation 3722936 (VCV003722936.2).

ClinVar aggregate classification (germline): Uncertain significance (1 of 4 stars; one submission).

Conditions:
Long QT syndrome (LQTS). Identifiers: MedGen C0023976, MeSH D008133, MONDO:0002442. Disease mechanism: loss of function. Inheritance: Various modes of inheritance.

Submission:

Labcorp Genetics (formerly Invitae), Labcorp
Classification: Uncertain significance for Long QT syndrome. Last evaluated: 2024-10-15. Review status: criteria provided, single submitter. Criteria: Invitae Variant Classification Sherloc (09022015). Collection method: clinical testing. Allele origin: germline.
Comment: This sequence change replaces serine, which is neutral and polar, with arginine, which is basic and polar, at codon 3381 of the ANK2 protein (p.Ser3381Arg). This variant is not present in population databases (gnomAD no frequency). This variant has not been reported in the literature in individuals affected with ANK2-related conditions. An algorithm developed to predict the effect of missense changes on protein structure and function (PolyPhen-2) suggests that this variant is likely to be tolerated. In summary, the available evidence is currently insufficient to determine the role of this variant in disease. Therefore, it has been classified as a Variant of Uncertain Significance.